The following is an entry in ClinVar:

NM_005422.4(TECTA):c.2672A>G (p.Asp891Gly)

Genes: TBCEL-TECTA (TBCEL-TECTA readthrough; plus strand), TECTA (tectorin alpha; plus strand), LOC126861365 (P300/CBP strongly-dependent group 1 enhancer GRCh37_chr11:121000154-121001353; plus strand). Cytogenetic location: 11q23.3.
Variant type: single nucleotide variant.
Coding change: c.2672A>G on transcript NM_005422.4 (MANE Select); coding-DNA position 2672, A replaced by G.
Protein change: p.Asp891Gly; replaces aspartic acid 891 with glycine.
Molecular consequence: missense variant.
Genome position (GRCh38, 1-based): chr11:121,129,942, A>G. VCF-style: chr11-121129942-A-G. GRCh37 (hg19) VCF-style: chr11-121000651-A-G.
Other names: c.3629A>G, p.Asp1210Gly (NM_001378761.1); short protein forms D1210G, D891G.
Identifiers: ClinVar variation 3365531 (VCV003365531.1).

ClinVar aggregate classification (germline): Uncertain significance (1 of 4 stars; one submission).

gnomAD v4.1: 3 of 1,609,752 alleles (0.00019%); highest among the groups gnomAD compares: East Asian, 0.0067%; no homozygotes.

Submission:

GeneDx
Classification: Uncertain significance. Last evaluated: 2023-12-13. Review status: criteria provided, single submitter. Criteria: GeneDx Variant Classification Process June 2021. Collection method: clinical testing. Allele origin: germline. Affected: yes.
Comment: In silico analysis supports that this missense variant does not alter protein structure/function; Has not been previously published as pathogenic or benign to our knowledge; This variant is associated with the following publications: (PMID: 21520338, 31554319, 9590290)